The following is an entry in ClinVar:

NM_000179.3(MSH6):c.1065T>C (p.Gly355=)

Gene: MSH6 (mutS homolog 6; plus strand). Cytogenetic location: 2p16.3.
Variant type: single nucleotide variant.
Coding change: c.1065T>C on transcript NM_000179.3 (MANE Select); coding-DNA position 1065, T replaced by C.
Protein change: p.Gly355=; no amino-acid change (glycine 355 retained).
Molecular consequence: synonymous variant.
Genome position (GRCh38, 1-based): chr2:47,799,048, T>C. VCF-style: chr2-47799048-T-C. GRCh37 (hg19) VCF-style: chr2-48026187-T-C.
Other names: c.675T>C, p.Gly225= (NM_001281492.2); c.159T>C, p.Gly53= (NM_001281493.2, NM_001281494.2).
Identifiers: ClinVar variation 378165 (VCV000378165.20), dbSNP rs984907158, ClinGen allele CA16604282.
Genomic context (GRCh38, chr2:47,799,048, plus strand): 5'-TACTTTGAGAGCTTTCTCTGCCCCTCAAAATTCTGAATCCCAAGCCCACGTTAGTGGAGG[T>C]GGTGATGACAGTAGTCGCCCTACTGTTTGGTATCATGAAACTTTAGAATGGCTTAAGGAG-3'
Protein context (NP_000170.1, residues 345-365): NSESQAHVSG[Gly355=]GDDSSRPTVW

ClinVar aggregate classification (germline): Benign/Likely benign. Review status: criteria provided, multiple submitters, no conflicts (2 of 4 stars). 7 submissions from 7 submitters: Benign (1); Likely benign (6). Last evaluated 2025-12-28.

Conditions:
Hereditary nonpolyposis colorectal neoplasms. Identifiers: MedGen C0009405, MeSH D003123.
Hereditary cancer-predisposing syndrome. Also called: Hereditary neoplastic syndrome; Hereditary Cancer Syndrome; Neoplastic Syndromes, Hereditary; Tumor predisposition. Identifiers: Orphanet 140162, MedGen C0027672, MeSH D009386, MONDO:0015356.
Lynch syndrome 5 (LYNCH5). Also called: Colorectal cancer, hereditary nonpolyposis, type 5; Hereditary non-polyposis colorectal cancer, type 5. Identifiers: Orphanet 144, MedGen C1833477, MONDO:0013710, OMIM 614350. Disease mechanism: loss of function.

Allele frequency attached by ClinVar (database versions not stated): gnomAD exomes below 0.00001; gnomAD 0.00003; TOPMed 0.00006.

Submissions (7):

Labcorp Genetics (formerly Invitae), Labcorp
Classification: Likely benign for Hereditary nonpolyposis colorectal neoplasms. Last evaluated: 2025-12-28. Review status: criteria provided, single submitter. Criteria: Invitae Variant Classification Sherloc (09022015). Collection method: clinical testing. Allele origin: germline.

Myriad Genetics, Inc.
Classification: Benign for Lynch syndrome 5. Last evaluated: 2024-12-23. Review status: criteria provided, single submitter. Criteria: Myriad Autosomal Dominant, Autosomal Recessive and X-Linked Classification Criteria (2023). Collection method: clinical testing. Allele origin: unknown.
Comment: This variant is considered benign. This variant is a silent/synonymous amino acid change and it is not expected to impact splicing.

Sema4
Classification: Likely benign for Hereditary cancer-predisposing syndrome. Last evaluated: 2021-06-24. Review status: criteria provided, single submitter. Criteria: Sema4 Curation Guidelines. Collection method: curation. Allele origin: germline.

Women's Health and Genetics/Laboratory Corporation of America, LabCorp
Classification: Likely benign. Last evaluated: 2019-08-29. Review status: criteria provided, single submitter. Criteria: LabCorp Variant Classification Summary - May 2015. Collection method: clinical testing. Allele origin: germline.

GeneDx
Classification: Likely benign. Last evaluated: 2016-07-06. Review status: criteria provided, single submitter. Criteria: GeneDx Variant Classification (06012015). Collection method: clinical testing. Allele origin: germline. Affected: yes.
Comment: This variant is considered likely benign or benign based on one or more of the following criteria: it is a conservative change, it occurs at a poorly conserved position in the protein, it is predicted to be benign by multiple in silico algorithms, and/or has population frequency not consistent with disease.

Color Diagnostics, LLC DBA Color Health
Classification: Likely benign for Hereditary cancer-predisposing syndrome. Last evaluated: 2016-04-19. Review status: criteria provided, single submitter. Criteria: ACMG Guidelines, 2015. Collection method: clinical testing. Allele origin: germline.

Ambry Genetics
Classification: Likely benign for Hereditary cancer-predisposing syndrome. Last evaluated: 2015-10-15. Review status: criteria provided, single submitter. Criteria: Ambry Variant Classification Scheme 2023. Collection method: clinical testing. Allele origin: germline.